The following is an entry in ClinVar:

ClinVar aggregate classification (germline): Uncertain significance (1 of 4 stars; one submission).

gnomAD v4.1: 8 of 1,583,702 alleles (0.00051%); highest among the groups gnomAD compares: East Asian, 0.016%; no homozygotes.

Submission:

Labcorp Genetics (formerly Invitae), Labcorp
Classification: Uncertain significance. Last evaluated: 2024-05-28. Review status: criteria provided, single submitter. Criteria: Invitae Variant Classification Sherloc (09022015). Collection method: clinical testing. Allele origin: germline.
Comment: This sequence change falls in intron 5 of the MAD2L2 gene. It does not directly change the encoded amino acid sequence of the MAD2L2 protein. It affects a nucleotide within the consensus splice site. This variant is present in population databases (rs755242044, gnomAD 0.05%). This variant has not been reported in the literature in individuals affected with MAD2L2-related conditions. Variants that disrupt the consensus splice site are a relatively common cause of aberrant splicing (PMID: 17576681, 9536098). Algorithms developed to predict the effect of sequence changes on RNA splicing suggest that this variant is not likely to affect RNA splicing. In summary, the available evidence is currently insufficient to determine the role of this variant in disease. Therefore, it has been classified as a Variant of Uncertain Significance.

Literature cited by the submitters: PubMed 17576681; PubMed 9536098.

NM_006341.4(MAD2L2):c.333-3C>T

Gene: MAD2L2 (mitotic arrest deficient 2 like 2; minus strand). Cytogenetic location: 1p36.22.
Variant type: single nucleotide variant.
Coding change: c.333-3C>T on transcript NM_006341.4 (MANE Select); 3 bases into the intron before coding-DNA position 333, C replaced by T.
Molecular consequence: intron variant.
Genome position (GRCh38, 1-based): chr1:11,676,143, G>A on the plus strand (C>T on the coding strand, the complement: MAD2L2 is on the minus strand). VCF-style: chr1-11676143-G-A. GRCh37 (hg19) VCF-style: chr1-11736200-G-A.
Other names: c.333-3C>T (NM_001127325.2).
Identifiers: ClinVar variation 3714320 (VCV003714320.2).